The following is an entry in ClinVar:

NM_022765.4(MICAL1):c.1802T>C (p.Ile601Thr)

Gene: MICAL1 (microtubule associated monooxygenase, calponin and LIM domain containing 1; minus strand). Cytogenetic location: 6q21.
Variant type: single nucleotide variant.
Coding change: c.1802T>C on transcript NM_022765.4 (MANE Select); coding-DNA position 1802, T replaced by C.
Protein change: p.Ile601Thr; replaces isoleucine 601 with threonine.
Molecular consequence: missense variant.
Genome position (GRCh38, 1-based): chr6:109,448,256, A>G on the plus strand (T>C on the coding strand, the complement: MICAL1 is on the minus strand). VCF-style: chr6-109448256-A-G. GRCh37 (hg19) VCF-style: chr6-109769459-A-G.
Other names: c.1544T>C, p.Ile515Thr (NM_001159291.2); c.1859T>C, p.Ile620Thr (NM_001286613.2); short protein forms I515T, I601T, I620T.
Identifiers: ClinVar variation 2428181 (VCV002428181.6), dbSNP rs193182382, ClinGen allele CA3953216.

ClinVar aggregate classification (germline): Uncertain significance (1 of 4 stars; one submission).

Submission:

Labcorp Genetics (formerly Invitae), Labcorp
Classification: Uncertain significance. Last evaluated: 2025-12-17. Review status: criteria provided, single submitter. Criteria: Invitae Variant Classification Sherloc (09022015). Collection method: clinical testing. Allele origin: germline.
Comment: This sequence change replaces isoleucine, which is neutral and non-polar, with threonine, which is neutral and polar, at codon 620 of the MICAL1 protein (p.Ile620Thr). This variant is present in population databases (rs193182382, gnomAD 0.006%). This variant has not been reported in the literature in individuals affected with MICAL1-related conditions. ClinVar contains an entry for this variant (Variation ID: 2428181). An algorithm developed to predict the effect of missense changes on protein structure and function (PolyPhen-2) suggests that this variant is likely to be disruptive. In summary, the available evidence is currently insufficient to determine the role of this variant in disease. Therefore, it has been classified as a Variant of Uncertain Significance.